The following is an entry in ClinVar:

ClinVar aggregate classification (germline): Conflicting classifications of pathogenicity. Review status: criteria provided, conflicting classifications (1 of 4 stars). 4 submissions from 4 submitters: Uncertain significance (3); Likely benign (1). Last evaluated 2025-12-26.

Conditions:
Hereditary cancer-predisposing syndrome. Also called: Hereditary neoplastic syndrome; Tumor predisposition; Hereditary Cancer Syndrome; Neoplastic Syndromes, Hereditary. Identifiers: Orphanet 140162, MedGen C0027672, MeSH D009386, MONDO:0015356.
Familial isolated pituitary adenoma. Identifiers: Orphanet 314777, MedGen C2676191, MONDO:0017824.
Neuroblastoma, susceptibility to, 3. Also called: ALK-Related Neuroblastic Tumor Susceptibility. Identifiers: Orphanet 635, MedGen C2751681, MONDO:0013083, OMIM 613014.

Allele frequency attached by ClinVar (database versions not stated): ExAC 0.00002; gnomAD exomes 0.00002; TOPMed 0.00002; gnomAD 0.00003.
gnomAD v4.1: 28 of 1,613,906 alleles (0.0017%); highest among the groups gnomAD compares: African/African-American, 0.0053%; no homozygotes.

Submissions (4):

Labcorp Genetics (formerly Invitae), Labcorp
Classification: Uncertain significance for Neuroblastoma, susceptibility to, 3. Last evaluated: 2025-12-26. Review status: criteria provided, single submitter. Criteria: Invitae Variant Classification Sherloc (09022015). Collection method: clinical testing. Allele origin: germline.
Comment: This sequence change replaces aspartic acid, which is acidic and polar, with asparagine, which is neutral and polar, at codon 732 of the ALK protein (p.Asp732Asn). This variant is present in population databases (rs768366852, gnomAD 0.007%). This variant has not been reported in the literature in individuals affected with ALK-related conditions. ClinVar contains an entry for this variant (Variation ID: 576618). An algorithm developed to predict the effect of missense changes on protein structure and function outputs the following: PolyPhen-2: "Benign". The asparagine amino acid residue is found in multiple mammalian species, which suggests that this missense change does not adversely affect protein function. In summary, the available evidence is currently insufficient to determine the role of this variant in disease. Therefore, it has been classified as a Variant of Uncertain Significance.

Ambry Genetics
Classification: Likely benign for Hereditary cancer-predisposing syndrome. Last evaluated: 2025-03-18. Review status: criteria provided, single submitter. Criteria: Ambry Variant Classification Scheme 2023. Collection method: clinical testing. Allele origin: germline.

Baylor Genetics
Classification: Uncertain significance for Neuroblastoma, susceptibility to, 3. Last evaluated: 2023-09-04. Review status: criteria provided, single submitter. Criteria: ACMG Guidelines, 2015. Collection method: clinical testing. Allele origin: unknown.

St. Jude Molecular Pathology, St. Jude Children's Research Hospital
Classification: Uncertain significance for Familial isolated pituitary adenoma. Last evaluated: 2021-01-25. Review status: criteria provided, single submitter. Criteria: St. Jude Assertion Criteria 2020. Collection method: clinical testing. Allele origin: germline.

NM_004304.5(ALK):c.2194G>A (p.Asp732Asn)

Gene: ALK (ALK receptor tyrosine kinase; minus strand). Cytogenetic location: 2p23.2.
Variant type: single nucleotide variant.
Coding change: c.2194G>A on transcript NM_004304.5 (MANE Select); coding-DNA position 2194, G replaced by A.
Protein change: p.Asp732Asn; replaces aspartic acid 732 with asparagine.
Molecular consequence: missense variant.
Genome position (GRCh38, 1-based): chr2:29,251,115, C>T on the plus strand (G>A on the coding strand, the complement: ALK is on the minus strand). VCF-style: chr2-29251115-C-T. GRCh37 (hg19) VCF-style: chr2-29473981-C-T.
Other names: short protein forms D732N.
Identifiers: ClinVar variation 576618 (VCV000576618.13), dbSNP rs768366852, ClinGen allele CA1594416.